The following is an entry in ClinVar:

NM_001113378.2(FANCI):c.1903del (p.Tyr635fs)

Gene: FANCI (FA complementation group I; plus strand). Cytogenetic location: 15q26.1.
Variant type: Deletion.
Coding change: c.1903del on transcript NM_001113378.2 (MANE Select); coding-DNA position 1903, one base deleted (T; older notation c.1903delT).
Protein change: p.Tyr635fs; shifts the reading frame from tyrosine 635.
Molecular consequence: frameshift variant.
Genome position (GRCh38, 1-based): chr15:89,291,625, T deleted. VCF-style (leftmost placement, unchanged base first): chr15-89291624-CT-C. GRCh37 (hg19) VCF-style: chr15-89834855-CT-C.
Other names: c.1903del, p.Tyr635fs (NM_001376911.1, NM_018193.3); c.1624del, p.Tyr542fs (NM_001376910.1); short protein forms Y635fs, Y542fs.
Identifiers: ClinVar variation 2696980 (VCV002696980.3), dbSNP rs2507355285, ClinGen allele CA2697549371.

ClinVar aggregate classification (germline): Pathogenic (1 of 4 stars; one submission).

Conditions:
Fanconi anemia (FA). Also called: Fanconi's anemia. Identifiers: Orphanet 84, MedGen C0015625, MeSH D005199, MONDO:0019391.

Submission:

Labcorp Genetics (formerly Invitae), Labcorp
Classification: Pathogenic for Fanconi anemia. Last evaluated: 2023-11-18. Review status: criteria provided, single submitter. Criteria: Invitae Variant Classification Sherloc (09022015). Collection method: clinical testing. Allele origin: germline.
Comment: This sequence change creates a premature translational stop signal (p.Tyr635Metfs*11) in the FANCI gene. It is expected to result in an absent or disrupted protein product. Loss-of-function variants in FANCI are known to be pathogenic (PMID: 17452773, 17460694). This variant is not present in population databases (gnomAD no frequency). This variant has not been reported in the literature in individuals affected with FANCI-related conditions. For these reasons, this variant has been classified as Pathogenic.

Literature cited by the submitters: PubMed 17452773; PubMed 17460694.